The following is an entry in ClinVar:

NM_181332.3(NLGN4X):c.1159G>A (p.Glu387Lys)

Gene: NLGN4X (neuroligin 4 X-linked; minus strand). Cytogenetic location: Xp22.32.
Variant type: single nucleotide variant.
Coding change: c.1159G>A on transcript NM_181332.3 (MANE Select); coding-DNA position 1159, G replaced by A.
Protein change: p.Glu387Lys; replaces glutamic acid 387 with lysine.
Molecular consequence: missense variant.
Genome position (GRCh38, 1-based): chrX:5,903,519, C>T on the plus strand (G>A on the coding strand, the complement: NLGN4X is on the minus strand). VCF-style: chrX-5903519-C-T. GRCh37 (hg19) VCF-style: chrX-5821560-C-T.
Other names: c.1159G>A, p.Glu387Lys (NM_001282145.2, NM_001282146.2, NM_001441322.1 and 4 more transcripts); short protein forms E387K.
Identifiers: ClinVar variation 4994516 (VCV004994516.1).

ClinVar aggregate classification (germline): Uncertain significance (1 of 4 stars; one submission).

Conditions:
NLGN4X-related disorder. Also called: NLGN4X-related condition.

Submission:

PreventionGenetics, part of Exact Sciences
Classification: Uncertain significance for NLGN4X-related condition. Last evaluated: 2026-02-16. Review status: criteria provided, single submitter. Criteria: ACMG Guidelines, 2015. Collection method: clinical testing. Allele origin: germline.
Comment: The NLGN4X c.1159G>A variant is predicted to result in the amino acid substitution p.Glu387Lys. To our knowledge, this variant has not been reported in the literature or in a large population database (gnomAD), indicating this variant is rare. At this time, the clinical significance of this variant is uncertain due to the absence of conclusive functional and genetic evidence.